The following is an entry in ClinVar:

ClinVar aggregate classification (germline): Benign/Likely benign. Review status: criteria provided, multiple submitters, no conflicts (2 of 4 stars). 4 submissions from 4 submitters: Benign (3); Likely benign (1). Last evaluated 2026-01-28.

Allele frequency attached by ClinVar (database versions not stated): gnomAD exomes 0.00273; ExAC 0.00342; gnomAD 0.01056 and 0.01122; TOPMed 0.01117; 1000 Genomes Project 0.01198; ESP Exome Variant Server 0.01207; 1000 Genomes Project 30x 0.01359.
gnomAD v4.1: 3,147 of 1,613,962 alleles (0.19%); highest among the groups gnomAD compares: African/African-American, 3.6%; 70 homozygotes.

Submissions (4):

Labcorp Genetics (formerly Invitae), Labcorp
Classification: Benign. Last evaluated: 2026-01-28. Review status: criteria provided, single submitter. Criteria: Invitae Variant Classification Sherloc (09022015). Collection method: clinical testing. Allele origin: germline.

Mayo Clinic Laboratories, Mayo Clinic
Classification: Benign. Last evaluated: 2024-11-05. Review status: criteria provided, single submitter. Criteria: ACMG Guidelines, 2015. Collection method: clinical testing. Allele origin: germline. Observed: 66 variant alleles.
Comment: BS1, BS2, BP4, BP7

Breakthrough Genomics
Classification: Likely benign. Review status: criteria provided, single submitter. Criteria: ACMG Guidelines, 2015. Collection method: not provided. Allele origin: germline. Inheritance: Autosomal recessive inheritance. Affected: yes.

PreventionGenetics, part of Exact Sciences
Classification: Benign. Review status: criteria provided, single submitter. Criteria: ACMG Guidelines, 2015. Collection method: clinical testing. Allele origin: germline.

NM_139027.6(ADAMTS13):c.1797C>T (p.Ile599=)

Gene: ADAMTS13 (ADAM metallopeptidase with thrombospondin type 1 motif 13; plus strand). Cytogenetic location: 9q34.2.
Variant type: single nucleotide variant.
Coding change: c.1797C>T on transcript NM_139027.6 (MANE Select); coding-DNA position 1797, C replaced by T.
Protein change: p.Ile599=; no amino-acid change (isoleucine 599 retained).
Molecular consequence: synonymous variant. On other transcripts: non-coding transcript variant (1).
Genome position (GRCh38, 1-based): chr9:133,440,354, C>T. VCF-style: chr9-133440354-C-T. GRCh37 (hg19) VCF-style: chr9-136305475-C-T.
Other names: p.Ile599=; c.1797C>T, p.Ile599= (NM_139025.5); c.1704C>T, p.Ile568= (NM_139026.6).
Identifiers: ClinVar variation 262429 (VCV000262429.17), dbSNP rs36221216, ClinGen allele CA10587033.